The following is an entry in ClinVar:

ClinVar aggregate classification (germline): Uncertain significance (1 of 4 stars; one submission).

Conditions:
Melanoma, cutaneous malignant, susceptibility to, 5. Also called: Cutaneous malignant melanoma 5. Identifiers: Orphanet 618, MedGen C2751295, MONDO:0013133, OMIM 613099.

gnomAD v4.1: 1 of 1,606,010 alleles (0.000062%); no homozygotes.

Submission:

Labcorp Genetics (formerly Invitae), Labcorp
Classification: Uncertain significance for Melanoma, cutaneous malignant, susceptibility to, 5. Last evaluated: 2023-09-14. Review status: criteria provided, single submitter. Criteria: Invitae Variant Classification Sherloc (09022015). Collection method: clinical testing. Allele origin: germline.
Comment: Advanced modeling of protein sequence and biophysical properties (such as structural, functional, and spatial information, amino acid conservation, physicochemical variation, residue mobility, and thermodynamic stability) performed at Invitae indicates that this missense variant is not expected to disrupt MC1R protein function. In summary, the available evidence is currently insufficient to determine the role of this variant in disease. Therefore, it has been classified as a Variant of Uncertain Significance. This variant has not been reported in the literature in individuals affected with MC1R-related conditions. This variant is not present in population databases (gnomAD no frequency). This sequence change replaces alanine, which is neutral and non-polar, with serine, which is neutral and polar, at codon 139 of the MC1R protein (p.Ala139Ser).

NM_002386.4(MC1R):c.415G>T (p.Ala139Ser)

Gene: MC1R (melanocortin 1 receptor; plus strand). Cytogenetic location: 16q24.3.
Variant type: single nucleotide variant.
Coding change: c.415G>T on transcript NM_002386.4 (MANE Select); coding-DNA position 415, G replaced by T.
Protein change: p.Ala139Ser; replaces alanine 139 with serine.
Molecular consequence: missense variant.
Genome position (GRCh38, 1-based): chr16:89,919,673, G>T. VCF-style: chr16-89919673-G-T. GRCh37 (hg19) VCF-style: chr16-89986081-G-T.
Other names: short protein forms A139S.
Identifiers: ClinVar variation 2760591 (VCV002760591.3), dbSNP rs765120108, ClinGen allele CA397460661.